The following is an entry in ClinVar:

NM_001458.5(FLNC):c.3135C>A (p.His1045Gln)

Gene: FLNC (filamin C; plus strand). Cytogenetic location: 7q32.1.
Variant type: single nucleotide variant.
Coding change: c.3135C>A on transcript NM_001458.5 (MANE Select); coding-DNA position 3135, C replaced by A.
Protein change: p.His1045Gln; replaces histidine 1045 with glutamine.
Molecular consequence: missense variant.
Genome position (GRCh38, 1-based): chr7:128,844,209, C>A. VCF-style: chr7-128844209-C-A. GRCh37 (hg19) VCF-style: chr7-128484263-C-A.
Other names: c.3135C>A, p.His1045Gln (NM_001127487.2); short protein forms H1045Q.
Identifiers: ClinVar variation 1339299 (VCV001339299.4), dbSNP rs988307328, ClinGen allele CA369194505.
Genomic context (GRCh38, chr7:128,844,209, plus strand): 5'-TGTGCGCTACATGCCCCCGGAGGAGGGGCCCTACAAGGTGGATATCACCTACGATGGTCA[C>A]CCGGTGCCTGGCAGCCCGTTTGCTGTGGAGGGTGTCCTGCCCCCTGATCCCTCCAAGGTG-3'
Protein context (NP_001449.3, residues 1035-1055): PYKVDITYDG[His1045Gln]PVPGSPFAVE

ClinVar aggregate classification (germline): Uncertain significance. Review status: criteria provided, multiple submitters, no conflicts (2 of 4 stars). 2 submissions from 2 submitters: Uncertain significance (2). Last evaluated 2025-12-21.

Conditions:
Cardiovascular phenotype. Identifiers: MedGen CN230736.

Allele frequency attached by ClinVar (database versions not stated): gnomAD exomes below 0.00001.
gnomAD v4.1: 3 of 1,612,400 alleles (0.00019%); highest among the groups gnomAD compares: Non-Finnish European, 0.00025%; no homozygotes.

Submissions (2):

Ambry Genetics
Classification: Uncertain significance for Cardiovascular phenotype. Last evaluated: 2025-12-21. Review status: criteria provided, single submitter. Criteria: Ambry Variant Classification Scheme 2023. Collection method: clinical testing. Allele origin: germline.
Comment: The p.H1045Q variant (also known as c.3135C>A), located in coding exon 20 of the FLNC gene, results from a C to A substitution at nucleotide position 3135. The histidine at codon 1045 is replaced by glutamine, an amino acid with highly similar properties. This amino acid position is conserved. In addition, this alteration is predicted to be tolerated by in silico analysis. Since supporting evidence is limited at this time, the clinical significance of this alteration remains unclear.

Phosphorus, Inc.
Classification: Uncertain significance. Last evaluated: 2022-01-15. Review status: criteria provided, single submitter. Criteria: ACMG Guidelines, 2015. Collection method: clinical testing. Allele origin: germline. Inheritance: Autosomal dominant inheritance.
Comment: This missense variant results in an amino acid substitution of histidine with glutamine at codon 1045 of the FLNC gene (NM_001458.4). The variant has no entry in ClinVar and has occurred in GnomAD with a total MAF of 0.0004%. This position is not conserved. In silico functional algorithms disagreed, with PolyPhen calling it possibly damaging, and SIFT tolerated, but no functional studies were performed to confirm these predictions. The variant has not occurred in literature associated with disease. The available evidence is insufficient to determine whether this variant contributes to disease formation. It has therefore been classified as a Variant of Uncertain Significance.